The following is an entry in ClinVar:

ClinVar aggregate classification (germline): Conflicting classifications of pathogenicity. Review status: criteria provided, conflicting classifications (1 of 4 stars). 5 submissions from 5 submitters: Likely pathogenic (4); Uncertain significance (1). Last evaluated 2026-02-09.

Conditions:
ACAD8-related disorder. Also called: ACAD8-related condition.
Deficiency of isobutyryl-CoA dehydrogenase. Also called: ACYL-CoA DEHYDROGENASE FAMILY, MEMBER 8, DEFICIENCY OF; ACAD8 DEFICIENCY; IBD DEFICIENCY. Identifiers: Orphanet 79159, MedGen C1969809, MONDO:0012648, OMIM 611283.

Allele frequency attached by ClinVar (database versions not stated): ESP Exome Variant Server 0.00008; TOPMed 0.00003; gnomAD 0.00006 and 0.00005; gnomAD exomes below 0.00001; ExAC 0.00001.
gnomAD v4.1: 9 of 1,613,152 alleles (0.00056%); highest among the groups gnomAD compares: African/African-American, 0.011%; no homozygotes.

Submissions (5):

Women's Health and Genetics/Laboratory Corporation of America, LabCorp
Classification: Likely pathogenic for Deficiency of isobutyryl-CoA dehydrogenase. Last evaluated: 2026-02-09. Review status: criteria provided, single submitter. Criteria: LabCorp Variant Classification Summary - May 2015. Collection method: clinical testing. Allele origin: germline.
Comment: Variant summary: ACAD8 c.400G>T (p.Asp134Tyr) results in a non-conservative amino acid change located in the N-terminal domain (IPR013786) of the encoded protein sequence. Algorithms developed to predict the effect of missense changes on protein structure and function all suggest that this variant is likely to be disruptive. The variant allele was found at a frequency of 4e-06 in 251060 control chromosomes (gnomAD). c.400G>T has been observed in individuals affected with Deficiency Of Isobutyryl-CoA Dehydrogenase (Pedersen_2006, Sadat_2020). These data indicate that the variant is likely to be associated with disease. To our knowledge, no experimental evidence demonstrating an impact on protein function has been reported. The following publications have been ascertained in the context of this evaluation (PMID: 31813752, 16857760). ClinVar contains an entry for this variant (Variation ID: 95586). Based on the evidence outlined above, the variant was classified as likely pathogenic.

PreventionGenetics, part of Exact Sciences
Classification: Likely pathogenic for ACAD8-related condition. Last evaluated: 2026-01-21. Review status: criteria provided, single submitter. Criteria: ACMG Guidelines, 2015. Collection method: clinical testing. Allele origin: germline.
Comment: The ACAD8 c.400G>T variant is predicted to result in the amino acid substitution p.Asp134Tyr. This variant has been reported in the homozygous state and in combination with another ACAD8 variant in individuals with Isobutyryl-CoA dehydrogenase deficiency (Pedersen et al. 2006. PubMed ID: 16857760; Sadat et al. 2019. PubMed ID: 31813752). This variant is reported in 0.0080% of alleles in individuals of African descent in gnomAD and has conflicting classifications in ClinVar ranging from uncertain to likely pathogenic. This variant is interpreted as likely pathogenic.

Labcorp Genetics (formerly Invitae), Labcorp
Classification: Likely pathogenic for Deficiency of isobutyryl-CoA dehydrogenase. Last evaluated: 2023-10-20. Review status: criteria provided, single submitter. Criteria: Invitae Variant Classification Sherloc (09022015). Collection method: clinical testing. Allele origin: germline.
Comment: This sequence change replaces aspartic acid, which is acidic and polar, with tyrosine, which is neutral and polar, at codon 134 of the ACAD8 protein (p.Asp134Tyr). This variant is present in population databases (rs367857040, gnomAD 0.008%). This missense change has been observed in individual(s) with clinical features of isobutyryl-CoA dehydrogenase deficiency (PMID: 16857760, 31813752; Invitae). ClinVar contains an entry for this variant (Variation ID: 95586). Advanced modeling of protein sequence and biophysical properties (such as structural, functional, and spatial information, amino acid conservation, physicochemical variation, residue mobility, and thermodynamic stability) performed at Invitae indicates that this missense variant is expected to disrupt ACAD8 protein function with a positive predictive value of 80%. Algorithms developed to predict the effect of sequence changes on RNA splicing suggest that this variant may disrupt the consensus splice site. In summary, the currently available evidence indicates that the variant is pathogenic, but additional data are needed to prove that conclusively. Therefore, this variant has been classified as Likely Pathogenic.

GeneDx
Classification: Likely pathogenic. Last evaluated: 2017-09-13. Review status: criteria provided, single submitter. Criteria: GeneDx Variant Classification (06012015). Collection method: clinical testing. Allele origin: germline. Affected: yes.
Comment: The D134Y variant in the ACAD8 gene has been reported previously in isobutyryl-CoA dehydrogenase deficiency, in an affected individual who was homozygous for the D134Y variant (Pedersen et al., 2006). The D134Y variant is not observed at a significant frequency in large population cohorts (Lek et al., 2016; 1000 Genomes Consortium et al., 2015; Exome Variant Server). The D134Y variant is a non-conservative amino acid substitution, which is likely to impact secondary protein structure as these residues differ in polarity, charge, size and/or other properties. This substitution occurs at a position that is conserved across species. In silico analysis predicts this variant is probably damaging to the protein structure/function. We interpret D134Y as a likely pathogenic variant.

Eurofins Ntd Llc (ga)
Classification: Uncertain significance. Last evaluated: 2013-03-08. Review status: criteria provided, single submitter. Criteria: EGL Classification Definitions 2015. Collection method: clinical testing. Allele origin: germline. Observed: 1 variant allele, 1 heterozygote.

Literature cited by the submitters: PubMed 31813752 (cited by Women's Health and Genetics/Laboratory Corporation of America, LabCorp and Labcorp Genetics (formerly Invitae), Labcorp); PubMed 16857760 (cited by Women's Health and Genetics/Laboratory Corporation of America, LabCorp and Labcorp Genetics (formerly Invitae), Labcorp).

NM_014384.3(ACAD8):c.400G>T (p.Asp134Tyr)

Gene: ACAD8 (acyl-CoA dehydrogenase family member 8; plus strand). Cytogenetic location: 11q25.
Variant type: single nucleotide variant.
Coding change: c.400G>T on transcript NM_014384.3 (MANE Select); coding-DNA position 400, G replaced by T.
Protein change: p.Asp134Tyr; replaces aspartic acid 134 with tyrosine.
Molecular consequence: missense variant.
Genome position (GRCh38, 1-based): chr11:134,258,534, G>T. VCF-style: chr11-134258534-G-T. GRCh37 (hg19) VCF-style: chr11-134128428-G-T.
Identifiers: ClinVar variation 95586 (VCV000095586.14), dbSNP rs367857040, ClinGen allele CA223119.